The following is an entry in ClinVar:

ClinVar aggregate classification (germline): Uncertain significance (1 of 4 stars; one submission).

Conditions:
Dilated cardiomyopathy 1G (CMD1G). Identifiers: Orphanet 154, MedGen C1858763, MONDO:0011400, OMIM 604145.
Autosomal recessive limb-girdle muscular dystrophy type 2J (LGMDR10). Also called: MUSCULAR DYSTROPHY, LIMB-GIRDLE, AUTOSOMAL RECESSIVE 10; Limb-girdle muscular dystrophy, type 2J. Identifiers: Orphanet 140922, MedGen C1837342, MONDO:0012127, OMIM 608807.

Submission:

Labcorp Genetics (formerly Invitae), Labcorp
Classification: Uncertain significance for Dilated cardiomyopathy 1G; Autosomal recessive limb-girdle muscular dystrophy type 2J. Last evaluated: 2025-03-16. Review status: criteria provided, single submitter. Criteria: Invitae Variant Classification Sherloc (09022015). Collection method: clinical testing. Allele origin: germline.
Comment: This sequence change replaces tyrosine, which is neutral and polar, with cysteine, which is neutral and slightly polar, at codon 34786 of the TTN protein (p.Tyr34786Cys). This variant is not present in population databases (gnomAD no frequency). This variant has not been reported in the literature in individuals affected with TTN-related conditions. ClinVar contains an entry for this variant (Variation ID: 945244). Experimental studies and prediction algorithms are not available or were not evaluated, and the functional significance of this variant is currently unknown. This variant is located in the M band of TTN (PMID: 25589632). Non-truncating variants in this region may be relevant for neuromuscular disorders, but have not been definitively shown to cause cardiomyopathy (PMID: 23975875). In summary, the available evidence is currently insufficient to determine the role of this variant in disease. Therefore, it has been classified as a Variant of Uncertain Significance.

Literature cited by the submitters: PubMed 25589632; PubMed 23975875.

NM_001267550.2(TTN):c.104357A>G (p.Tyr34786Cys)

Genes: TTN (titin; minus strand), TTN-AS1 (TTN antisense RNA 1; plus strand). Cytogenetic location: 2q31.2.
Variant type: single nucleotide variant.
Coding change: c.104357A>G on transcript NM_001267550.2 (MANE Select); coding-DNA position 104357, A replaced by G.
Protein change: p.Tyr34786Cys; replaces tyrosine 34786 with cysteine.
Molecular consequence: missense variant.
Genome position (GRCh38, 1-based): chr2:178,532,258, T>C on the plus strand (A>G on the coding strand, the complement: TTN is on the minus strand). VCF-style: chr2-178532258-T-C. GRCh37 (hg19) VCF-style: chr2-179396985-T-C.
Other names: c.99434A>G, p.Tyr33145Cys (NM_001256850.1); c.77162A>G, p.Tyr25721Cys (NM_003319.4); c.96653A>G, p.Tyr32218Cys (NM_133378.4); c.77537A>G, p.Tyr25846Cys (NM_133432.3); c.77738A>G, p.Tyr25913Cys (NM_133437.4); short protein forms Y25846C, Y25913C, Y32218C, Y33145C, Y34786C, Y25721C.
Identifiers: ClinVar variation 945244 (VCV000945244.8), dbSNP rs1689457386, ClinGen allele CA349411918.